The following is an entry in ClinVar:

ClinVar aggregate classification (germline): Likely benign (0 of 4 stars; one submission).

Conditions:
CTNNA2-related disorder. Also called: CTNNA2-related condition.

Allele frequency attached by ClinVar (database versions not stated): gnomAD exomes below 0.00001; gnomAD 0.00001; TOPMed 0.00002; ESP Exome Variant Server 0.00008.
gnomAD v4.1: 4 of 1,609,670 alleles (0.00025%); highest among the groups gnomAD compares: African/African-American, 0.0013%; no homozygotes.

Submission:

PreventionGenetics, part of Exact Sciences
Classification: Likely benign for CTNNA2-related condition. Last evaluated: 2021-04-06. Review status: no assertion criteria provided. Collection method: clinical testing. Allele origin: germline.
Comment: This variant is classified as likely benign based on ACMG/AMP sequence variant interpretation guidelines (Richards et al. 2015 PMID: 25741868, with internal and published modifications).

NM_001282597.3(CTNNA2):c.2412A>C (p.Gly804=)

Gene: CTNNA2 (catenin alpha 2; plus strand). Cytogenetic location: 2p12.
Variant type: single nucleotide variant.
Coding change: c.2412A>C on transcript NM_001282597.3 (MANE Select); coding-DNA position 2412, A replaced by C.
Protein change: p.Gly804=; no amino-acid change (glycine 804 retained).
Molecular consequence: synonymous variant. On other transcripts: intron variant (1).
Genome position (GRCh38, 1-based): chr2:80,608,300, A>C. VCF-style: chr2-80608300-A-C. GRCh37 (hg19) VCF-style: chr2-80835425-A-C.
Other names: c.2514A>C, p.Gly838= (NM_001282598.2); c.1449A>C, p.Gly483= (NM_001282599.2); c.1308A>C, p.Gly436= (NM_001282600.2, NM_001320810.2); c.2412A>C, p.Gly804= (NM_001399737.1, NM_004389.4); c.2295+4121A>C (NM_001164883.2).
Identifiers: ClinVar variation 3031065 (VCV003031065.2), dbSNP rs369818338, ClinGen allele CA51205387.